The following is an entry in ClinVar:

NM_024665.7(TBL1XR1):c.377dup (p.Asn126fs)

Gene: TBL1XR1 (TBL1X/Y related 1; minus strand). Cytogenetic location: 3q26.32.
Variant type: Duplication.
Coding change: c.377dup on transcript NM_024665.7 (MANE Select); coding-DNA position 377, one base duplicated (A; older notation c.377dupA).
Protein change: p.Asn126fs; shifts the reading frame from asparagine 126.
Molecular consequence: frameshift variant.
Genome position (GRCh38, 1-based): chr3:177,051,554, T duplicated on the plus strand (A on the coding strand, the reverse complement: TBL1XR1 is on the minus strand); the first of 6 consecutive T bases (chr3:177,051,554-177,051,559); duplicating any one gives the same sequence. VCF-style (leftmost placement, unchanged base first): chr3-177051553-A-AT. GRCh37 (hg19) VCF-style: chr3-176769341-A-AT.
Other names: c.377dup, p.Asn126fs (NM_001321193.3, NM_001321194.3, NM_001374327.1 and 2 more transcripts); c.116dup, p.Asn39fs (NM_001321195.3, NM_001374330.1); short protein forms N126fs, N39fs.
Identifiers: ClinVar variation 3640472 (VCV003640472.2).
Genomic context (GRCh38, chr3:177,051,553, plus strand): 5'-TCTGAGCTCACTTGCTATAGTATGTGCTCCATTCTCCTCCCCATTTGCTGTGTTTTCTCC[A>AT]TTTTTTGCAGATCCTTGTTGGCTGGCTGCAGCTGCGGCAGCTGCAGCAGCTGCTGCCTGT-3'

ClinVar aggregate classification (germline): Pathogenic (1 of 4 stars; one submission).

Conditions:
Pierpont syndrome (PRPTS). Identifiers: Orphanet 487825, MedGen C1865644, MONDO:0011213, OMIM 602342.

Submission:

Labcorp Genetics (formerly Invitae), Labcorp
Classification: Pathogenic for Pierpont syndrome. Last evaluated: 2024-02-13. Review status: criteria provided, single submitter. Criteria: Invitae Variant Classification Sherloc (09022015). Collection method: clinical testing. Allele origin: germline.
Comment: This sequence change creates a premature translational stop signal (p.Asn126Lysfs*19) in the TBL1XR1 gene. It is expected to result in an absent or disrupted protein product. Loss-of-function variants in TBL1XR1 are known to be pathogenic (PMID: 23160955, 26740553, 27824329). This variant is not present in population databases (gnomAD no frequency). This variant has not been reported in the literature in individuals affected with TBL1XR1-related conditions. For these reasons, this variant has been classified as Pathogenic.

Literature cited by the submitters: PubMed 23160955; PubMed 26740553; PubMed 27824329.